The following is an entry in ClinVar:

ClinVar aggregate classification (germline): Uncertain significance (1 of 4 stars; one submission).

Conditions:
Hereditary sensory neuropathy-deafness-dementia syndrome. Also called: NEUROPATHY, HEREDITARY SENSORY, WITH HEARING LOSS AND DEMENTIA; Hereditary Sensory and Autonomic Neuropathy Type 1E (HSAN1E); Hereditary sensory neuropathy type IE; HSN IE. Identifiers: Orphanet 456318, MedGen C3279885, MONDO:0013584, OMIM 614116.

Submission:

Labcorp Genetics (formerly Invitae), Labcorp
Classification: Uncertain significance for Hereditary sensory neuropathy-deafness-dementia syndrome. Last evaluated: 2023-09-05. Review status: criteria provided, single submitter. Criteria: Invitae Variant Classification Sherloc (09022015). Collection method: clinical testing. Allele origin: germline.
Comment: This variant, c.2167_2169dup, results in the insertion of 1 amino acid(s) of the DNMT1 protein (p.Asp723dup), but otherwise preserves the integrity of the reading frame. This variant is not present in population databases (gnomAD no frequency). This variant has not been reported in the literature in individuals affected with DNMT1-related conditions. Experimental studies and prediction algorithms are not available or were not evaluated, and the functional significance of this variant is currently unknown. In summary, the available evidence is currently insufficient to determine the role of this variant in disease. Therefore, it has been classified as a Variant of Uncertain Significance.

NM_001130823.3(DNMT1):c.2164GAT[3] (p.Asp723dup)

Gene: DNMT1 (DNA methyltransferase 1; minus strand). Cytogenetic location: 19p13.2.
Variant type: Microsatellite.
Coding change: c.2164GAT[3] on transcript NM_001130823.3 (MANE Select); three copies in a row of the 3-base unit GAT starting at c.2164; the reference has two copies in a row; one copy, 3 bases duplicated.
Protein change: p.Asp723dup; duplicates aspartic acid 723.
Molecular consequence: inframe insertion.
Genome position (GRCh38, 1-based): chr19:10,151,494-10,151,496, ATC duplicated on the plus strand (GAT on the coding strand, the reverse complement: DNMT1 is on the minus strand); duplicating any 3 consecutive bases within chr19:10,151,494-10,151,499 gives the same sequence; the position shown is the placement nearest the transcript's 3' end. VCF-style (leftmost placement, unchanged base first): chr19-10151493-T-TATC. GRCh37 (hg19) VCF-style: chr19-10262169-T-TATC.
Other names: c.2116GAT[3], p.Asp707dup (NM_001318730.2, NM_001379.4); c.1801GAT[3], p.Asp602dup (NM_001318731.2).
Identifiers: ClinVar variation 1506919 (VCV001506919.8), dbSNP rs2038341091, ClinGen allele CA2322288072.
Genomic context (GRCh38, chr19:10,151,493, plus strand): 5'-TGTTCTGTTTCTTCTTCTTCCCCTGGTGCATTTTTTTGGGTGACGGCATCTCTGGGATGT[T>TATC]ATCATCGACTTCCTCATCGTCATCTGCCTCCTTCATGGCCATATTGGGACACCTGCAATG-3'